The following is an entry in ClinVar:

ClinVar aggregate classification (germline): Pathogenic. Review status: criteria provided, multiple submitters, no conflicts (2 of 4 stars). 3 submissions from 3 submitters: Pathogenic (3). Last evaluated 2025-05-01.

Conditions:
Autosomal recessive congenital ichthyosis 1 (LI1). Also called: COLLODION FETUS; DESQUAMATION OF NEWBORN; ICHTHYOSIS, CONGENITAL, AUTOSOMAL RECESSIVE 1, WITH BATHING SUIT DISTRIBUTION; ICHTHYOSIS CONGENITA; ICHTHYOSIS CONGENITA II; LAMELLAR EXFOLIATION OF NEWBORN. Identifiers: MedGen C4551630, MONDO:0009441, OMIM 242300.

Submissions (3):

Myriad Genetics, Inc.
Classification: Pathogenic for Autosomal recessive congenital ichthyosis 1. Last evaluated: 2025-05-01. Review status: criteria provided, single submitter. Criteria: Myriad Autosomal Dominant, Autosomal Recessive and X-Linked Classification Criteria (2023). Collection method: clinical testing. Allele origin: unknown.
Comment: NM_000359.2(TGM1):c.211C>T(R71*) is a nonsense variant classified as pathogenic in the context of TGM1-related autosomal recessive congenital ichthyosis. R71* has been observed in cases with relevant disease (PMID: 25808943, 33786896). Relevant functional assessments of this variant are not available in the literature. R71* has not been observed in referenced population frequency databases. In summary, NM_000359.2(TGM1):c.211C>T(R71*) is a nonsense variant in a gene where loss of function is a known mechanism of disease, is predicted to disrupt protein function, and has been observed more frequently in cases with the relevant disease than in healthy populations. Please note: this variant was assessed in the context of healthy population screening.

Labcorp Genetics (formerly Invitae), Labcorp
Classification: Pathogenic. Last evaluated: 2022-05-27. Review status: criteria provided, single submitter. Criteria: Invitae Variant Classification Sherloc (09022015). Collection method: clinical testing. Allele origin: germline.
Comment: For these reasons, this variant has been classified as Pathogenic. ClinVar contains an entry for this variant (Variation ID: 1074310). This premature translational stop signal has been observed in individual(s) with lamellar ichthyosis (PMID: 25808943). This variant is not present in population databases (gnomAD no frequency). This sequence change creates a premature translational stop signal (p.Arg71*) in the TGM1 gene. It is expected to result in an absent or disrupted protein product. Loss-of-function variants in TGM1 are known to be pathogenic (PMID: 18948357, 19241467).

Baylor Genetics
Classification: Pathogenic for Autosomal recessive congenital ichthyosis 1. Last evaluated: 2022-01-18. Review status: criteria provided, single submitter. Criteria: ACMG Guidelines, 2015. Collection method: clinical testing. Allele origin: unknown.

Literature cited by the submitters: PubMed 25808943 (cited by Myriad Genetics, Inc. and Labcorp Genetics (formerly Invitae), Labcorp); PubMed 33786896 (cited by Myriad Genetics, Inc.); PubMed 18948357 (cited by Labcorp Genetics (formerly Invitae), Labcorp); PubMed 19241467 (cited by Labcorp Genetics (formerly Invitae), Labcorp).

NM_000359.3(TGM1):c.211C>T (p.Arg71Ter)

Gene: TGM1 (transglutaminase 1; minus strand). Cytogenetic location: 14q12.
Variant type: single nucleotide variant.
Coding change: c.211C>T on transcript NM_000359.3 (MANE Select); coding-DNA position 211, C replaced by T.
Protein change: p.Arg71Ter; replaces arginine 71 with a stop codon.
Molecular consequence: nonsense.
Genome position (GRCh38, 1-based): chr14:24,262,142, G>A on the plus strand (C>T on the coding strand, the complement: TGM1 is on the minus strand). VCF-style: chr14-24262142-G-A. GRCh37 (hg19) VCF-style: chr14-24731348-G-A.
Other names: short protein forms R71*.
Identifiers: ClinVar variation 1074310 (VCV001074310.11), dbSNP rs2040818118, ClinGen allele CA389280369.